The following is an entry in ClinVar:

ClinVar aggregate classification (germline): Pathogenic/Likely pathogenic. Review status: criteria provided, multiple submitters, no conflicts (2 of 4 stars). 2 submissions from 2 submitters: Pathogenic (1); Likely pathogenic (1). Last evaluated 2022-08-10.

Conditions:
Cockayne syndrome type 2 (CSB). Also called: Cockayne Syndrome, Type II; COCKAYNE SYNDROME B. Identifiers: Orphanet 191, Orphanet 90322, MedGen C0751038, MONDO:0019570, OMIM 133540.

Submissions (2):

Labcorp Genetics (formerly Invitae), Labcorp
Classification: Pathogenic. Last evaluated: 2022-08-10. Review status: criteria provided, single submitter. Criteria: Invitae Variant Classification Sherloc (09022015). Collection method: clinical testing. Allele origin: germline.
Comment: For these reasons, this variant has been classified as Pathogenic. ClinVar contains an entry for this variant (Variation ID: 984141). This variant has not been reported in the literature in individuals affected with ERCC6-related conditions. This variant is not present in population databases (gnomAD no frequency). This sequence change creates a premature translational stop signal (p.Gln192*) in the ERCC6 gene. It is expected to result in an absent or disrupted protein product. Loss-of-function variants in ERCC6 are known to be pathogenic (PMID: 18628313, 29572252).

Myriad Genetics, Inc.
Classification: Likely pathogenic for Cockayne syndrome type 2. Last evaluated: 2019-12-04. Review status: criteria provided, single submitter. Criteria: Myriad Women's Health Autosomal Recessive and X-Linked Classification Criteria (2019). Collection method: clinical testing. Allele origin: unknown.
Comment: NM_000124.2(ERCC6):c.574C>T(Q192*) is expected to be pathogenic in the context of ERCC6-related disorders. This variant is predicted to lead to an abnormal or absent protein product due to the creation of a premature termination codon in ERCC6, a gene where loss-of-function variants are known to be pathogenic. Please note: this variant was assessed in the context of healthy population screening.

Literature cited by the submitters: PubMed 18628313 (cited by Labcorp Genetics (formerly Invitae), Labcorp); PubMed 29572252 (cited by Labcorp Genetics (formerly Invitae), Labcorp).

NM_000124.4(ERCC6):c.574C>T (p.Gln192Ter)

Gene: ERCC6 (ERCC excision repair 6, chromatin remodeling factor; minus strand). Cytogenetic location: 10q11.23.
Variant type: single nucleotide variant.
Coding change: c.574C>T on transcript NM_000124.4 (MANE Select); coding-DNA position 574, C replaced by T.
Protein change: p.Gln192Ter; replaces glutamine 192 with a stop codon.
Molecular consequence: nonsense.
Genome position (GRCh38, 1-based): chr10:49,528,495, G>A on the plus strand (C>T on the coding strand, the complement: ERCC6 is on the minus strand). VCF-style: chr10-49528495-G-A. GRCh37 (hg19) VCF-style: chr10-50736541-G-A.
Other names: c.574C>T, p.Gln192Ter (NM_001277058.2, NM_001277059.2, NM_001346440.2); short protein forms Q192*.
Identifiers: ClinVar variation 984141 (VCV000984141.8), dbSNP rs1837393519, ClinGen allele CA376709370.